The following is an entry in ClinVar:

ClinVar aggregate classification (germline): Uncertain significance. Review status: criteria provided, multiple submitters, no conflicts (2 of 4 stars). 2 submissions from 2 submitters: Uncertain significance (2). Last evaluated 2025-10-24.

Allele frequency attached by ClinVar (database versions not stated): ExAC 0.00001; gnomAD 0.00001; gnomAD exomes 0.00001 and 0.00002; TOPMed 0.00001.
gnomAD v4.1: 23 of 1,613,964 alleles (0.0014%); highest among the groups gnomAD compares: Non-Finnish European, 0.0019%; no homozygotes.

Submissions (2):

Labcorp Genetics (formerly Invitae), Labcorp
Classification: Uncertain significance. Last evaluated: 2025-10-24. Review status: criteria provided, single submitter. Criteria: Invitae Variant Classification Sherloc (09022015). Collection method: clinical testing. Allele origin: germline.
Comment: This sequence change replaces asparagine, which is neutral and polar, with lysine, which is basic and polar, at codon 60 of the SCN3A protein (p.Asn60Lys). This variant is present in population databases (rs778352249, gnomAD 0.003%). This variant has not been reported in the literature in individuals affected with SCN3A-related conditions. ClinVar contains an entry for this variant (Variation ID: 1463477). Invitae Evidence Modeling of protein sequence and biophysical properties (such as structural, functional, and spatial information, amino acid conservation, physicochemical variation, residue mobility, and thermodynamic stability) indicates that this missense variant is not expected to disrupt SCN3A protein function with a negative predictive value of 95%. In summary, the available evidence is currently insufficient to determine the role of this variant in disease. Therefore, it has been classified as a Variant of Uncertain Significance.

CeGaT Center for Human Genetics Tuebingen
Classification: Uncertain significance. Last evaluated: 2023-05-01. Review status: criteria provided, single submitter. Criteria: CeGaT Center For Human Genetics Tuebingen Variant Classification Criteria Version 2. Collection method: clinical testing. Allele origin: germline. Affected: yes. Observed: 1 variant allele.
Comment: SCN3A: PM2, PP2

NM_006922.4(SCN3A):c.180C>A (p.Asn60Lys)

Gene: SCN3A (sodium voltage-gated channel alpha subunit 3; minus strand). Cytogenetic location: 2q24.3.
Variant type: single nucleotide variant.
Coding change: c.180C>A on transcript NM_006922.4 (MANE Select); coding-DNA position 180, C replaced by A.
Protein change: p.Asn60Lys; replaces asparagine 60 with lysine.
Molecular consequence: missense variant.
Genome position (GRCh38, 1-based): chr2:165,176,215, G>T on the plus strand (C>A on the coding strand, the complement: SCN3A is on the minus strand). VCF-style: chr2-165176215-G-T. GRCh37 (hg19) VCF-style: chr2-166032725-G-T.
Other names: c.180C>A, p.Asn60Lys (NM_001081676.2, NM_001081677.2); short protein forms N60K.
Identifiers: ClinVar variation 1463477 (VCV001463477.32), dbSNP rs778352249, ClinGen allele CA1939491.